The following is an entry in ClinVar:

ClinVar aggregate classification (germline): Pathogenic (1 of 4 stars; one submission).

Conditions:
Primary ciliary dyskinesia 3. Identifiers: Orphanet 244, MedGen C1837618, MONDO:0012085, OMIM 608644.

Submission:

Myriad Genetics, Inc.
Classification: Pathogenic for Primary ciliary dyskinesia 3. Last evaluated: 2024-01-02. Review status: criteria provided, single submitter. Criteria: Myriad Autosomal Dominant, Autosomal Recessive and X-Linked Classification Criteria (2023). Collection method: clinical testing. Allele origin: unknown.
Comment: NM_001369.2(DNAH5):c.2701delA(I901Yfs*25) is expected to be pathogenic in the context of primary ciliary dyskinesia, DNAH5-related. This variant is predicted to lead to an abnormal or absent protein product due to the creation of a premature termination codon in DNAH5, a gene where loss-of-function variants are known to be pathogenic. Please note: this variant was assessed in the context of healthy population screening.

NM_001369.3(DNAH5):c.2701del (p.Ile901fs)

Genes: DNAH5 (dynein axonemal heavy chain 5; minus strand), DNAH5-AS1 (DNAH5 antisense RNA 1; plus strand). Cytogenetic location: 5p15.2.
Variant type: Deletion.
Coding change: c.2701del on transcript NM_001369.3 (MANE Select); coding-DNA position 2701, one base deleted (A; older notation c.2701delA).
Protein change: p.Ile901fs; shifts the reading frame from isoleucine 901.
Molecular consequence: frameshift variant.
Genome position (GRCh38, 1-based): chr5:13,886,006, T deleted on the plus strand (A on the coding strand, the reverse complement: DNAH5 is on the minus strand); the first of 6 consecutive T bases (chr5:13,886,006-13,886,011); deleting any one gives the same sequence. VCF-style (leftmost placement, unchanged base first): chr5-13886005-AT-A. GRCh37 (hg19) VCF-style: chr5-13886114-AT-A.
Other names: short protein forms I901fs.
Identifiers: ClinVar variation 5012626 (VCV005012626.1).